The following is an entry in ClinVar:

ClinVar aggregate classification (germline): Benign/Likely benign. Review status: criteria provided, multiple submitters, no conflicts (2 of 4 stars). 3 submissions from 3 submitters: Benign (1); Likely benign (1). 1 of the submissions does not count toward it. Last evaluated 2026-08-01.

Conditions:
BRF1-related disorder. Also called: BRF1-related condition.

Submissions (3):

CeGaT Center for Human Genetics Tuebingen
Classification: Likely benign. Last evaluated: 2026-08-01. Review status: criteria provided, single submitter. Criteria: CeGaT Center For Human Genetics Tuebingen Variant Classification Criteria Version 2. Collection method: clinical testing. Allele origin: germline. Affected: yes. Observed: 17 variant alleles.
Comment: BRF1: PM4:Supporting, BS2

Labcorp Genetics (formerly Invitae), Labcorp
Classification: Benign. Last evaluated: 2019-12-31. Review status: criteria provided, single submitter. Criteria: Invitae Variant Classification Sherloc (09022015). Collection method: clinical testing. Allele origin: germline.

PreventionGenetics, part of Exact Sciences
Classification: Likely benign for BRF1-related condition. Last evaluated: 2023-02-16. Review status: no assertion criteria provided. Collection method: clinical testing. Allele origin: germline. Not counted in ClinVar's aggregate classification.
Comment: This variant is classified as likely benign based on ACMG/AMP sequence variant interpretation guidelines (Richards et al. 2015 PMID: 25741868, with internal and published modifications).

NM_001519.4(BRF1):c.1160GTG[1] (p.Gly388del)

Gene: BRF1 (BRF1 general transcription factor IIIB subunit; minus strand). Cytogenetic location: 14q32.33.
Variant type: Microsatellite.
Coding change: c.1160GTG[1] on transcript NM_001519.4 (MANE Select); one copy of the 3-base unit GTG starting at c.1160; the reference has two copies in a row; one copy, 3 bases deleted.
Protein change: p.Gly388del; deletes glycine 388.
Molecular consequence: inframe deletion.
Genome position (GRCh38, 1-based): chr14:105,221,798-105,221,800, CAC deleted on the plus strand (GTG on the coding strand, the reverse complement: BRF1 is on the minus strand); deleting any 3 consecutive bases within chr14:105,221,798-105,221,805 gives the same sequence; the position shown is the placement nearest the transcript's 3' end. VCF-style (leftmost placement, unchanged base first): chr14-105221797-GCAC-G. GRCh37 (hg19) VCF-style: chr14-105688134-GCAC-G.
Other names: c.1163_1165delGTG (NM_001519.3); c.815GTG[1], p.Gly273del (NM_001242786.2, NM_001242787.2); c.1079GTG[1], p.Gly361del (NM_001242788.2); c.446GTG[1], p.Gly150del (NM_001242789.2); c.548GTG[1], p.Gly184del (NM_145685.3); short protein forms G388del, G184del, G361del, G273del, G150del.
Identifiers: ClinVar variation 729689 (VCV000729689.29), dbSNP rs587772315, ClinGen allele CA7387284.